The following is an entry in ClinVar:

ClinVar aggregate classification (germline): Uncertain significance (1 of 4 stars; one submission).

Conditions:
Fanconi anemia (FA). Also called: Fanconi's anemia. Identifiers: Orphanet 84, MedGen C0015625, MeSH D005199, MONDO:0019391.

Allele frequency attached by ClinVar (database versions not stated): ExAC 0.00001.
gnomAD v4.1: 1 of 1,599,882 alleles (0.000063%); highest among the groups gnomAD compares: Non-Finnish European, 0.000086%; no homozygotes.

Submission:

Labcorp Genetics (formerly Invitae), Labcorp
Classification: Uncertain significance for Fanconi anemia. Last evaluated: 2022-07-30. Review status: criteria provided, single submitter. Criteria: Invitae Variant Classification Sherloc (09022015). Collection method: clinical testing. Allele origin: germline.
Comment: This sequence change falls in intron 6 of the FANCA gene. It does not directly change the encoded amino acid sequence of the FANCA protein. This variant is present in population databases (rs762582152, gnomAD 0.0009%). This variant has not been reported in the literature in individuals affected with FANCA-related conditions. Algorithms developed to predict the effect of sequence changes on RNA splicing suggest that this variant may disrupt the consensus splice site. In summary, the available evidence is currently insufficient to determine the role of this variant in disease. Therefore, it has been classified as a Variant of Uncertain Significance.

NM_000135.4(FANCA):c.597-11T>G

Gene: FANCA (FA complementation group A; minus strand). Cytogenetic location: 16q24.3.
Variant type: single nucleotide variant.
Coding change: c.597-11T>G on transcript NM_000135.4 (MANE Select); 11 bases into the intron before coding-DNA position 597, T replaced by G.
Molecular consequence: intron variant.
Genome position (GRCh38, 1-based): chr16:89,805,403, A>C on the plus strand (T>G on the coding strand, the complement: FANCA is on the minus strand). VCF-style: chr16-89805403-A-C. GRCh37 (hg19) VCF-style: chr16-89871811-A-C.
Other names: c.597-11T>G (NM_001286167.3, NM_001018112.3); c.501-11T>G (NM_001351830.2).
Identifiers: ClinVar variation 1955153 (VCV001955153.5), dbSNP rs762582152, ClinGen allele CA8252889.